The following is an entry in ClinVar:

NM_020877.5(DNAH2):c.7643G>A (p.Arg2548His)

Gene: DNAH2 (dynein axonemal heavy chain 2; plus strand). Cytogenetic location: 17p13.1.
Variant type: single nucleotide variant.
Coding change: c.7643G>A on transcript NM_020877.5 (MANE Select); coding-DNA position 7643, G replaced by A.
Protein change: p.Arg2548His; replaces arginine 2548 with histidine.
Molecular consequence: missense variant.
Genome position (GRCh38, 1-based): chr17:7,794,327, G>A. VCF-style: chr17-7794327-G-A. GRCh37 (hg19) VCF-style: chr17-7697645-G-A.
Other names: short protein forms R2548H.
Identifiers: ClinVar variation 2647380 (VCV002647380.24), dbSNP rs11656500, ClinGen allele CA8358153.
Genomic context (GRCh38, chr17:7,794,327, plus strand): 5'-TGGCTGCCATGGGCCCCCCTGGGGGTGGACGGACTGTCATCTCCCCAAGGCTACGGAGTC[G>A]CTTCAACATTATCAACATGACCTTCCCCACAGTGAGGACCTCATGGGGGCTGCAGGACGA-3'
Protein context (NP_065928.2, residues 2538-2558): RTVISPRLRS[Arg2548His]FNIINMTFPT

ClinVar aggregate classification (germline): Likely benign (1 of 4 stars; one submission).

Allele frequency attached by ClinVar (database versions not stated): TOPMed 0.00497; 1000 Genomes Project 30x 0.00500; ESP Exome Variant Server 0.00538; gnomAD exomes 0.00661; 1000 Genomes Project 0.00399; gnomAD 0.00456; ExAC 0.00457.
gnomAD v4.1: 10,278 of 1,609,650 alleles (0.64%); highest among the groups gnomAD compares: Non-Finnish European, 0.77%; 41 homozygotes.

Submission:

CeGaT Center for Human Genetics Tuebingen
Classification: Likely benign. Last evaluated: 2026-05-01. Review status: criteria provided, single submitter. Criteria: CeGaT Center For Human Genetics Tuebingen Variant Classification Criteria Version 2. Collection method: clinical testing. Allele origin: germline. Affected: yes. Observed: 6 variant alleles.
Comment: DNAH2: BS2